The following is an entry in ClinVar:

ClinVar aggregate classification (germline): Uncertain significance. Review status: criteria provided, multiple submitters, no conflicts (2 of 4 stars). 2 submissions from 2 submitters: Uncertain significance (2). Last evaluated 2023-09-03.

Conditions:
Ehlers-Danlos syndrome, classic type, 1 (EDSCL1). Also called: EHLERS-DANLOS SYNDROME, GRAVIS TYPE; EHLERS-DANLOS SYNDROME, SEVERE CLASSIC TYPE; Ehlers-Danlos Syndrome, Classic Type, COL5A1-Related; EDS I; Ehlers-Danlos syndrome, type 1. Identifiers: MedGen C0268335, MONDO:0019567, OMIM 130000.

gnomAD v4.1: 3 of 1,614,204 alleles (0.00019%); highest among the groups gnomAD compares: Non-Finnish European, 0.00025%; no homozygotes.

Submissions (2):

Labcorp Genetics (formerly Invitae), Labcorp
Classification: Uncertain significance for Ehlers-Danlos syndrome, classic type, 1. Last evaluated: 2023-09-03. Review status: criteria provided, single submitter. Criteria: Invitae Variant Classification Sherloc (09022015). Collection method: clinical testing. Allele origin: germline.
Comment: This sequence change replaces proline, which is neutral and non-polar, with histidine, which is basic and polar, at codon 1805 of the COL5A1 protein (p.Pro1805His). In summary, the available evidence is currently insufficient to determine the role of this variant in disease. Therefore, it has been classified as a Variant of Uncertain Significance. Advanced modeling of protein sequence and biophysical properties (such as structural, functional, and spatial information, amino acid conservation, physicochemical variation, residue mobility, and thermodynamic stability) performed at Invitae indicates that this missense variant is not expected to disrupt COL5A1 protein function. ClinVar contains an entry for this variant (Variation ID: 420485). This variant has not been reported in the literature in individuals affected with COL5A1-related conditions. This variant is not present in population databases (gnomAD no frequency).

GeneDx
Classification: Uncertain significance. Last evaluated: 2017-08-31. Review status: criteria provided, single submitter. Criteria: GeneDx Variant Classification (06012015). Collection method: clinical testing. Allele origin: germline. Affected: yes.
Comment: A variant of uncertain significance has been identified in the COL5A1 gene. The P1805H variant has not been published as pathogenic or been reported as benign to our knowledge. This variant is not observed in large population cohorts (Lek et al., 2016; 1000 Genomes Consortium et al., 2015; Exome Variant Server). The P1805H variant is a non-conservative amino acid substitution, which is likely to impact secondary protein structure as these residues differ in polarity, charge, size and/or other properties. This substitution occurs at a position that is conserved in mammals. In silico analysis predicts this variant is probably damaging to the protein structure/function. However, the P1805H variant does not affect a glycine residue in a Gly-X-Y motif in the triple helical region of the COL5A1 gene, where the majority of pathogenic missense variants occur (Stenson et al., 2014; Symoens et al., 2012).

NM_000093.5(COL5A1):c.5414C>A (p.Pro1805His)

Genes: COL5A1 (collagen type V alpha 1 chain; plus strand), LOC101448202 (uncharacterized LOC101448202; minus strand). Cytogenetic location: 9q34.3.
Variant type: single nucleotide variant.
Coding change: c.5414C>A on transcript NM_000093.5 (MANE Select); coding-DNA position 5414, C replaced by A.
Protein change: p.Pro1805His; replaces proline 1805 with histidine.
Molecular consequence: missense variant.
Genome position (GRCh38, 1-based): chr9:134,842,200, C>A. VCF-style: chr9-134842200-C-A. GRCh37 (hg19) VCF-style: chr9-137734046-C-A.
Other names: c.5414C>A, p.Pro1805His (NM_001278074.1); short protein forms P1805H.
Identifiers: ClinVar variation 420485 (VCV000420485.5), dbSNP rs377563294, ClinGen allele CA16618793.